The following is an entry in ClinVar:

ClinVar aggregate classification (germline): Uncertain significance. Review status: criteria provided, multiple submitters, no conflicts (2 of 4 stars). 3 submissions from 3 submitters: Uncertain significance (2). 1 of the submissions does not count toward it. Last evaluated 2026-03-17.

Conditions:
TBK1-related disorder. Also called: TBK1-related condition.
Frontotemporal dementia and/or amyotrophic lateral sclerosis 4. Also called: FTDALS4. Identifiers: Orphanet 275872, MedGen C4225325, MONDO:0014641, OMIM 616439.

Allele frequency attached by ClinVar (database versions not stated): gnomAD exomes below 0.00001.

Submissions (3):

GeneDx
Classification: Uncertain significance. Last evaluated: 2026-03-17. Review status: criteria provided, single submitter. Criteria: GeneDx Variant Classification Process June 2021. Collection method: clinical testing. Allele origin: germline.
Comment: Not observed at significant frequency in large population cohorts (gnomAD); Has not been previously published as pathogenic or benign to our knowledge; In silico analysis is inconclusive as to whether the variant alters gene splicing. In the absence of RNA/functional studies, the actual effect of this sequence change is unknown.

Labcorp Genetics (formerly Invitae), Labcorp
Classification: Uncertain significance for Frontotemporal dementia and/or amyotrophic lateral sclerosis 4. Last evaluated: 2024-08-28. Review status: criteria provided, single submitter. Criteria: Invitae Variant Classification Sherloc (09022015). Collection method: clinical testing. Allele origin: germline.
Comment: This sequence change falls in intron 19 of the TBK1 gene. It does not directly change the encoded amino acid sequence of the TBK1 protein. This variant is present in population databases (no rsID available, gnomAD 0.0009%). This variant has not been reported in the literature in individuals affected with TBK1-related conditions. ClinVar contains an entry for this variant (Variation ID: 1376841). Algorithms developed to predict the effect of sequence changes on RNA splicing suggest that this variant may disrupt the consensus splice site. In summary, the available evidence is currently insufficient to determine the role of this variant in disease. Therefore, it has been classified as a Variant of Uncertain Significance.

PreventionGenetics, part of Exact Sciences
Classification: Uncertain significance for TBK1-related condition. Last evaluated: 2024-01-05. Review status: no assertion criteria provided. Collection method: clinical testing. Allele origin: germline. Not counted in ClinVar's aggregate classification.
Comment: The TBK1 c.2067-7T>A variant is predicted to interfere with splicing. This variant is predicted to impact splicing based on splicing prediction programs (SpliceAI, Jaganathan et al. 2019. PubMed ID: 30661751). To our knowledge, this variant has not been reported in the literature. This variant is reported in 0.00089% of alleles in individuals of European (Non-Finnish) descent in gnomAD. At this time, the clinical significance of this variant is uncertain due to the absence of conclusive functional and genetic evidence.

NM_013254.4(TBK1):c.2067-7T>A

Gene: TBK1 (TANK binding kinase 1; plus strand). Cytogenetic location: 12q14.2.
Variant type: single nucleotide variant.
Coding change: c.2067-7T>A on transcript NM_013254.4 (MANE Select); 7 bases into the intron before coding-DNA position 2067, T replaced by A.
Molecular consequence: intron variant.
Genome position (GRCh38, 1-based): chr12:64,497,961, T>A. VCF-style: chr12-64497961-T-A. GRCh37 (hg19) VCF-style: chr12-64891741-T-A.
Other names: c.2067-7T>A (NM_013254.3).
Identifiers: ClinVar variation 1376841 (VCV001376841.9), dbSNP rs1187318445, ClinGen allele CA605379704.
Genomic context (GRCh38, chr12:64,497,961, plus strand): 5'-AACATAAACATCATTCTAAAACATTTGCATACTGTTTTTGAGCAAAGGTGCTTGTTTATT[T>A]TATTAGTATGAAGAAATTAAAGGAAGAGATGGAAGGGGTGGTTAAAGAACTTGCTGAAAA-3'